The following is an entry in ClinVar:

NM_004364.5(CEBPA):c.1073C>T (p.Ala358Val)

Gene: CEBPA (CCAAT enhancer binding protein alpha; minus strand). Cytogenetic location: 19q13.11.
Variant type: single nucleotide variant.
Coding change: c.1073C>T on transcript NM_004364.5 (MANE Select); coding-DNA position 1073, C replaced by T.
Protein change: p.Ala358Val; replaces alanine 358 with valine.
Molecular consequence: missense variant.
Genome position (GRCh38, 1-based): chr19:33,301,342, G>A on the plus strand (C>T on the coding strand, the complement: CEBPA is on the minus strand). VCF-style: chr19-33301342-G-A. GRCh37 (hg19) VCF-style: chr19-33792248-G-A.
Other names: c.716C>T, p.Ala239Val (NM_001285829.2); c.1178C>T, p.Ala393Val (NM_001287424.2); c.1031C>T, p.Ala344Val (NM_001287435.2); c.1073C>T (NM_004364.3); short protein forms A358V, A393V, A344V, A239V.
Identifiers: ClinVar variation 665878 (VCV000665878.10), dbSNP rs577659401, ClinGen allele CA405273594.

ClinVar aggregate classification (germline): Uncertain significance. Review status: criteria provided, multiple submitters, no conflicts (2 of 4 stars). 2 submissions from 2 submitters: Uncertain significance (2). Last evaluated 2026-04-12.

Conditions:
Inborn genetic diseases. Identifiers: MedGen C0950123, MeSH D030342.
Acute myeloid leukemia (AML). Also called: Acute myeloid leukemia, adult; AML adult; Acute non-lymphocytic leukemia; Acute granulocytic leukemia; Leukemia, acute myeloid, somatic; Leukemia, acute myelogenous, somatic. Identifiers: Orphanet 519, MedGen C0023467, MeSH D015470, MONDO:0018874, OMIM 601626, HP:0004808. Disease mechanism: Constitutively activated FLT3.

Submissions (2):

Ambry Genetics
Classification: Uncertain significance for Inborn genetic diseases. Last evaluated: 2026-04-12. Review status: criteria provided, single submitter. Criteria: Ambry Variant Classification Scheme 2023. Collection method: clinical testing. Allele origin: germline.
Comment: The p.A358V variant (also known as c.1073C>T), located in coding exon 1 of the CEBPA gene, results from a C to T substitution at nucleotide position 1073. The alanine at codon 358 is replaced by valine, an amino acid with similar properties. This amino acid position is conserved. In addition, this alteration is predicted to be tolerated by in silico analysis. Based on the available evidence, the clinical significance of this variant remains unclear.

Labcorp Genetics (formerly Invitae), Labcorp
Classification: Uncertain significance for Acute myeloid leukemia. Last evaluated: 2018-11-07. Review status: criteria provided, single submitter. Criteria: Invitae Variant Classification Sherloc (09022015). Collection method: clinical testing. Allele origin: germline.
Comment: In summary, the available evidence is currently insufficient to determine the role of this variant in disease. Therefore, it has been classified as a Variant of Uncertain Significance. Algorithms developed to predict the effect of missense changes on protein structure and function are either unavailable or do not agree on the potential impact of this missense change (SIFT: "Tolerated"; PolyPhen-2: "Possibly Damaging"; Align-GVGD: "Class C0"). This variant has not been reported in the literature in individuals with CEBPA-related disease. This variant is not present in population databases (ExAC no frequency). This sequence change replaces alanine with valine at codon 358 of the CEBPA protein (p.Ala358Val). The alanine residue is moderately conserved and there is a small physicochemical difference between alanine and valine.